The following is an entry in ClinVar:

NM_001082486.2(ACD):c.13G>A (p.Gly5Arg)

Gene: ACD (ACD shelterin complex subunit and telomerase recruitment factor; minus strand). Cytogenetic location: 16q22.1.
Variant type: single nucleotide variant.
Coding change: c.13G>A on transcript NM_001082486.2 (MANE Select); coding-DNA position 13, G replaced by A.
Protein change: p.Gly5Arg; replaces glycine 5 with arginine.
Molecular consequence: missense variant.
Genome position (GRCh38, 1-based): chr16:67,660,208, C>T on the plus strand (G>A on the coding strand, the complement: ACD is on the minus strand). VCF-style: chr16-67660208-C-T. GRCh37 (hg19) VCF-style: chr16-67694111-C-T.
Other names: c.13G>A, p.Gly5Arg (NM_001410884.1, NM_022914.3); short protein forms G5R.
Identifiers: ClinVar variation 2566755 (VCV002566755.2), dbSNP rs2543611694, ClinGen allele CA396359165.

ClinVar aggregate classification (germline): Uncertain significance (1 of 4 stars; one submission).

Conditions:
Inborn genetic diseases. Identifiers: MedGen C0950123, MeSH D030342.

Submission:

Ambry Genetics
Classification: Uncertain significance for Inborn genetic diseases. Last evaluated: 2023-04-05. Review status: criteria provided, single submitter. Criteria: Ambry Variant Classification Scheme 2023. Collection method: clinical testing. Allele origin: germline.
Comment: The p.G91R variant (also known as c.271G>A), located in coding exon 1 of the ACD gene, results from a G to A substitution at nucleotide position 271. The glycine at codon 91 is replaced by arginine, an amino acid with dissimilar properties. This amino acid position is conserved. In addition, this alteration is predicted to be tolerated by in silico analysis. Since supporting evidence is limited at this time, the clinical significance of this alteration remains unclear.